The following is an entry in ClinVar:

ClinVar aggregate classification (germline): Pathogenic (1 of 4 stars; one submission).

Conditions:
Achondrogenesis, type IB (ACG1B). Also called: Achondrogenesis Type 1B. Identifiers: Orphanet 932, Orphanet 93298, MedGen C0265274, MONDO:0010966, OMIM 600972.
Diastrophic dysplasia (DTD). Also called: Diastrophic dwarfism. Identifiers: Orphanet 628, MedGen C0220726, MONDO:0009107, OMIM 222600.
Multiple epiphyseal dysplasia type 4 (EDM4). Also called: Multiple Epiphyseal Dysplasia, Recessive; MULTIPLE EPIPHYSEAL DYSPLASIA WITH BILAYERED PATELLAE; MULTIPLE EPIPHYSEAL DYSPLASIA WITH CLUBFOOT; MULTIPLE EPIPHYSEAL DYSPLASIA, AUTOSOMAL RECESSIVE; SLC26A2-Related Multiple Epiphyseal Dysplasia. Identifiers: Orphanet 93307, MedGen C1847593, MONDO:0009189, OMIM 226900.
Atelosteogenesis type II (AO2). Also called: NEONATAL OSSEOUS DYSPLASIA I; Neonatal osseous dysplasia 1; SLC26A2-Related Atelosteogenesis. Identifiers: Orphanet 56304, MedGen C1850554, MONDO:0009727, OMIM 256050.

Submission:

Labcorp Genetics (formerly Invitae), Labcorp
Classification: Pathogenic for Atelosteogenesis type II; Multiple epiphyseal dysplasia type 4; Achondrogenesis, type IB; Diastrophic dysplasia. Last evaluated: 2023-05-02. Review status: criteria provided, single submitter. Criteria: Invitae Variant Classification Sherloc (09022015). Collection method: clinical testing. Allele origin: germline.
Comment: For these reasons, this variant has been classified as Pathogenic. This variant has not been reported in the literature in individuals affected with SLC26A2-related conditions. This variant is not present in population databases (gnomAD no frequency). This sequence change creates a premature translational stop signal (p.Leu93Phefs*12) in the SLC26A2 gene. It is expected to result in an absent or disrupted protein product. Loss-of-function variants in SLC26A2 are known to be pathogenic (PMID: 7923357, 10482955, 11241838).

Literature cited by the submitters: PubMed 7923357; PubMed 10482955; PubMed 11241838.

NM_000112.4(SLC26A2):c.277del (p.Leu93fs)

Gene: SLC26A2 (solute carrier family 26 member 2; plus strand). Cytogenetic location: 5q32.
Variant type: Deletion.
Coding change: c.277del on transcript NM_000112.4 (MANE Select); coding-DNA position 277, one base deleted (C; older notation c.277delC).
Protein change: p.Leu93fs; shifts the reading frame from leucine 93.
Molecular consequence: frameshift variant.
Genome position (GRCh38, 1-based): chr5:149,977,929, C deleted; the last of 2 consecutive C bases (chr5:149,977,928-149,977,929); deleting either gives the same sequence. VCF-style (leftmost placement, unchanged base first): chr5-149977927-TC-T. GRCh37 (hg19) VCF-style: chr5-149357490-TC-T.
Other names: short protein forms L93fs.
Identifiers: ClinVar variation 2947415 (VCV002947415.3), dbSNP rs2480770639, ClinGen allele CA2740094130.